The following is an entry in ClinVar:

ClinVar aggregate classification (germline): Uncertain significance (1 of 4 stars; one submission).

Conditions:
Brugada syndrome. Also called: Sudden unexpected nocturnal death syndrome; Sudden unexplained nocturnal death syndrome; Sudden Unexplained Death Syndrome; Sudden Unexplained Nocturnal Death Syndrome (SUNDS). Identifiers: Orphanet 130, MedGen C1142166, MONDO:0015263.

Allele frequency attached by ClinVar (database versions not stated): gnomAD 0.00001; gnomAD exomes 0.00002; TOPMed 0.00002.
gnomAD v4.1: 63 of 1,613,688 alleles (0.0039%); highest among the groups gnomAD compares: Non-Finnish European, 0.0052%; no homozygotes.

Submission:

Labcorp Genetics (formerly Invitae), Labcorp
Classification: Uncertain significance for Brugada syndrome. Last evaluated: 2025-07-14. Review status: criteria provided, single submitter. Criteria: Invitae Variant Classification Sherloc (09022015). Collection method: clinical testing. Allele origin: germline.
Comment: This sequence change replaces asparagine, which is neutral and polar, with lysine, which is basic and polar, at codon 728 of the SLMAP protein (p.Asn728Lys). This variant is present in population databases (no rsID available, gnomAD 0.004%). This variant has not been reported in the literature in individuals affected with SLMAP-related conditions. ClinVar contains an entry for this variant (Variation ID: 948698). An algorithm developed to predict the effect of missense changes on protein structure and function (PolyPhen-2) suggests that this variant is likely to be tolerated. In summary, the available evidence is currently insufficient to determine the role of this variant in disease. Therefore, it has been classified as a Variant of Uncertain Significance.

NM_001377540.1(SLMAP):c.2286C>A (p.Asn762Lys)

Gene: SLMAP (sarcolemma associated protein; plus strand). Cytogenetic location: 3p14.3.
Variant type: single nucleotide variant.
Coding change: c.2286C>A on transcript NM_001377540.1 (MANE Select); coding-DNA position 2286, C replaced by A.
Protein change: p.Asn762Lys; replaces asparagine 762 with lysine.
Molecular consequence: missense variant. On other transcripts: non-coding transcript variant (1).
Genome position (GRCh38, 1-based): chr3:57,917,053, C>A. VCF-style: chr3-57917053-C-A. GRCh37 (hg19) VCF-style: chr3-57902780-C-A.
Other names: c.2235C>A, p.Asn745Lys (NM_001304420.3, NM_001377541.1, NM_001377542.1); c.2121C>A, p.Asn707Lys (NM_001304421.2, NM_001377557.1, NM_001377559.1); c.837C>A, p.Asn279Lys (NM_001304422.3, NM_001311178.2); c.639C>A, p.Asn213Lys (NM_001304423.3); c.714C>A, p.Asn238Lys (NM_001311179.2, NM_001377926.1, NM_001377927.1); c.2307C>A, p.Asn769Lys (NM_001377538.1); c.2286C>A, p.Asn762Lys (NM_001377539.1); c.2223C>A, p.Asn741Lys (NM_001377545.1); and 8 more; short protein forms N213K, N683K, N745K, N238K, N700K, N707K, N721K, N728K.
Identifiers: ClinVar variation 948698 (VCV000948698.6), dbSNP rs975284095, ClinGen allele CA75413458.